The following continues an entry in ClinVar:

NM_007194.4(CHEK2):c.751A>T (p.Ile251Phe)

Gene: CHEK2. ClinVar aggregate classification (germline): Conflicting classifications of pathogenicity. Likely pathogenic (4); Uncertain significance (15).

Submissions 6 to 22 of 22:

Color Diagnostics, LLC DBA Color Health
Classification: Uncertain significance for Hereditary cancer-predisposing syndrome. Last evaluated: 2025-10-10. Review status: criteria provided, single submitter. Criteria: ACMG Guidelines, 2015. Collection method: clinical testing. Allele origin: germline.
Comment: This missense variant replaces isoleucine with phenylalanine at codon 251 of the CHEK2 protein. Computational prediction tool suggests that this variant may not impact protein structure and function. Functional studies have reported the mutant protein as non-functional in a yeast DNA damage complementation assay (PMID: 30851065), impaired kinase activity toward a downstream KAP1 target protein, but intact or intermediate auto-phosphorylation in a CHK2 assay (PMID: 34903604, 37449874). This variant has been reported in individuals affected with breast cancer (PMID: 22114986, 29522266). This variant has also been observed in an unaffected control individual (PMID: 21244692). This variant has been reported in two large breast cancer case-control meta-analyses: in 3/60466 cases and 0/53461 unaffected controls (PMID: 33471991), and in 13/73048 cases and 5/88658 unaffected controls (PMID: 37449874). This variant has been identified in 53/1613926 chromosomes in the general population by the Genome Aggregation Database (gnomAD). The available evidence is insufficient to determine the role of this variant in disease conclusively. Therefore, this variant is classified as a Variant of Uncertain Significance.

Ambry Genetics
Classification: Likely pathogenic for Hereditary cancer-predisposing syndrome. Last evaluated: 2025-09-15. Review status: criteria provided, single submitter. Criteria: Ambry Variant Classification Scheme 2023. Collection method: clinical testing. Allele origin: germline.
Comment: The p.I251F variant (also known as c.751A>T), located in coding exon 5 of the CHEK2 gene, results from an A to T substitution at nucleotide position 751. The isoleucine at codon 251 is replaced by phenylalanine, an amino acid with highly similar properties. This alteration has been detected in cohorts of individuals with hereditary breast cancer, colorectal cancer younger than 50 years, sarcoma, as well as familial prostate cancer (Dong X et al. Am. J. Hum. Genet. 2003 Feb;72:270-80; Desrichard A et al. Breast Cancer Res. 2011;13:R119; Ballinger ML et al. Lancet Oncol. 2016 Sep;17:1261-71; Pearlman R et al. JAMA Oncol. 2017 Apr;3:464-471; Hauke J et al. Cancer Med, 2018 Apr;7:1349-1358). This variant was reported in 3/60,466 breast cancer cases and in 0/53,461 controls (Dorling et al. N Engl J Med 2021 02;384:428-439). This variant was predicted to be deleterious in a cohort of individuals with known personal and family cancer histories (external communication). This variant behaved as non-functional in an in vivo yeast-based growth rate assay (Delimitsou A et al. Hum. Mutat. 2019 05;40:631-648). This variant was also reported as damaging in an mES cell-based assay of CHEK2 activity (Boonen RACM et al. Cancer Res, 2022 Feb;82:615-631). Another study conducted in human cell lines reported this variant as functionally impaired in an assay of KAP1 phosphorylation, but intermediate as assessed by CHK2 autophosphorylation (Stolarova L et al. Clin Cancer Res. 2023 Aug;29(16):3037-3050). This amino acid position is highly conserved in available vertebrate species. In addition, this alteration is predicted to be deleterious by in silico analysis. Based on the majority of available evidence to date, this variant is likely to be pathogenic.

Myriad Genetics, Inc.
Classification: Likely pathogenic for Familial cancer of breast. Last evaluated: 2025-05-30. Review status: criteria provided, single submitter. Criteria: Myriad Autosomal Dominant, Autosomal Recessive and X-Linked Classification Criteria (2023). Collection method: clinical testing. Allele origin: unknown.
Comment: This variant is considered likely pathogenic. Functional studies indicate this variant impacts protein function [PMID: 34903604, 37449874]. This variant is strongly associated with more severe personal and family histories of cancer, typical for individuals with pathogenic variants in this gene [PMID: 25085752].

Quest Diagnostics Nichols Institute San Juan Capistrano
Classification: Uncertain significance. Last evaluated: 2025-03-07. Review status: criteria provided, single submitter. Criteria: Quest Diagnostics criteria. Collection method: clinical testing. Allele origin: unknown.
Comment: The CHEK2 c.751A>T (p.Ile251Phe) variant has been reported in individuals with breast cancer (PMIDs: 34326862 (2021), 29522266 (2018), 26787654 (2016), 33471991 (2011), 22114986 (2011)), colorectal cancer (PMIDs: 28135145 (2017), 27978560 (2016)), suspected Lynch syndrome (PMID: 25980754 (2015)), renal cell carcinoma (PMID: 35441217 (2022)), prostate cancer (PMID: 12533788 (2003)), as well as in a reportedly healthy individual (PMID: 21244692 (2011)). This variant has been found to co-occur with a BRCA2 pathogenic variant in an individual with colorectal cancer (PMID: 27978560 (2016)) and with a CHEK2 pathogenic variant in an individual with breast cancer (PMID: 34326862 (2021)), suggesting it may not be the primary cause of disease. Assessment of experimental evidence suggests this variant results in abnormal protein function (PMIDs: 37449874 (2023), 34903604 (2021), 30851065 (2019)). The frequency of this variant in the general population (Genome Aggregation Database) is uninformative in the assessment of its pathogenicity. Analysis of this variant using bioinformatics tools for the prediction of the effect of amino acid changes on protein structure and function yielded predictions that this variant is damaging. Based on the available information, we are unable to determine the clinical significance of this variant.

Labcorp Genetics (formerly Invitae), Labcorp
Classification: Uncertain significance for Familial cancer of breast. Last evaluated: 2025-01-30. Review status: criteria provided, single submitter. Criteria: Invitae Variant Classification Sherloc (09022015). Collection method: clinical testing. Allele origin: germline.
Comment: This sequence change replaces isoleucine, which is neutral and non-polar, with phenylalanine, which is neutral and non-polar, at codon 251 of the CHEK2 protein (p.Ile251Phe). This variant is present in population databases (rs587780189, gnomAD 0.03%). This missense change has been observed in individual(s) with prostate cancer and breast cancer (PMID: 12533788, 22114986, 25980754, 27978560). ClinVar contains an entry for this variant (Variation ID: 128086). An algorithm developed to predict the effect of missense changes on protein structure and function (PolyPhen-2) suggests that this variant is likely to be disruptive. Experimental studies have shown that this missense change affects CHEK2 function (PMID: 30851065, 34903604). In summary, the available evidence is currently insufficient to determine the role of this variant in disease. Therefore, it has been classified as a Variant of Uncertain Significance.

Blueprint Genetics
Classification: Uncertain significance. Last evaluated: 2024-11-13. Review status: criteria provided, single submitter. Criteria: ACMG Guidelines, 2015. Collection method: clinical testing. Allele origin: germline.

Molecular Diagnostics Laboratory, Catalan Institute of Oncology
Classification: Uncertain significance for Hereditary cancer-predisposing syndrome. Last evaluated: 2024-10-07. Review status: criteria provided, single submitter. Criteria: ACMG Guidelines, 2015. Collection method: clinical testing. Allele origin: germline.
Comment: PS3_moderate, PM1, PM2_supporting c.751A>T, located in exon 6 of the CHEK2 gene, is predicted to result in the substitution of Isoleucine by Phenylalanine at codon 251, p.(Ile251Phe). It affects a highly conserved amino acid of the kinase-domain (226-486 aa) (PM1). This variant is found in 4/268220 alleles at a frequency of 0.001% in the gnomAD v2.1.1 database, non-cancer dataset (PM2_supporting). The SpliceAI algorithm predicts no significant impact on splicing and the REVEL meta-predictor score (0.426) for this variant is indeterminate regarding the effect that it may have on protein function according Pejaver 2022 thresholds (PMID: 36413997). Functional studies demonstrated intermediate impact on auto-phosphorylation, impaired kinase activity against KAP1, and reduced response to DNA damage (PMID: 30851065, 34903604, 37449874) (PS3_moderate). It has been reported in ClinVar as an uncertain significance. Based on the currently available information, c.751A>T is classified as an uncertain significance variant according to ACMG guidelines.

Baylor Genetics
Classification: Uncertain significance for Familial cancer of breast. Last evaluated: 2024-03-05. Review status: criteria provided, single submitter. Criteria: ACMG Guidelines, 2015. Collection method: clinical testing. Allele origin: unknown.

GeneDx
Classification: Uncertain significance. Last evaluated: 2024-02-21. Review status: criteria provided, single submitter. Criteria: GeneDx Variant Classification Process June 2021. Collection method: clinical testing. Allele origin: germline. Affected: yes.
Comment: Observed in individuals with a personal or family history of breast, prostate, colorectal, or other cancers, as well as in healthy controls (PMID: 12533788, 22114986, 21244692, 25980754, 27498913, 27978560, 28135145, 29522266, 33471991, 34326862); Published functional studies are inconclusive: demonstrates intermediate impact on auto-phosphorylation, impaired kinase activity against KAP1, and showed reduced response to DNA damage in a yeast-based assay (PMID: 30851065, 34903604, 37449874); Also known as c.880A>T, p.(I294F); Not observed at significant frequency in large population cohorts (gnomAD); In silico analysis supports that this missense variant has a deleterious effect on protein structure/function; This variant is associated with the following publications: (PMID: 31398194, 12533788, 22114986, 25980754, 26787654, 27978560, 21244692, 28135145, 27498913, 29596542, 29522266, 28843361, 30851065, 34903604, 33471991, 35127508, 35441217, 22419737, 19782031, 37449874, 34326862)

Department of Pathology and Laboratory Medicine, Sinai Health System
Classification: Uncertain significance for CHEK2-related cancer predisposition. Last evaluated: 2023-03-30. Review status: criteria provided, single submitter. Criteria: ACMG Guidelines, 2015. Collection method: clinical testing. Allele origin: germline. Affected: yes.

Fulgent Genetics
Classification: Uncertain significance for Familial cancer of breast; Colorectal cancer; Familial prostate cancer; Bone osteosarcoma; CHEK2-related cancer predisposition. Last evaluated: 2022-04-01. Review status: criteria provided, single submitter. Criteria: ACMG Guidelines, 2015. Collection method: clinical testing. Allele origin: unknown.

Sema4
Classification: Uncertain significance for Hereditary cancer-predisposing syndrome. Last evaluated: 2021-12-18. Review status: criteria provided, single submitter. Criteria: Sema4 Curation Guidelines. Collection method: curation. Allele origin: germline.
Comment: The CHEK2 c.751A>T (p.I251F) variant has been reported in individuals with breast cancer, prostate cancer, and colorectal cancer, and at least one individual undergoing Lynch syndrome testing (PMID: 33471991, 12533788, 29522266, 27978560, 25980754). It was observed in 5/129140 chromosomes in the Non-Finnish European subpopulation in the large and broad cohorts of the Genome Aggregation Database (PMID: 32461654). This variant has been reported in ClinVar (Variation ID: 128086). In silico predictions of the variant's effect on protein function are inconclusive. An in vivo yeast-based study has shown that this variant impairs the ability to repair methyl-methanesulfonate induced DNA damage in (PMID: 30851065). The evidence is insufficient to meet ACMG/AMP criteria for classifying the variant as benign or pathogenic. Thus, the clinical significance of this variant is currently uncertain.

Genetic Services Laboratory, University of Chicago
Classification: Uncertain significance. Last evaluated: 2019-11-12. Review status: criteria provided, single submitter. Criteria: ACMG Guidelines, 2015. Collection method: clinical testing. Allele origin: germline. Affected: no.

Mendelics
Classification: Uncertain significance for Familial cancer of breast. Last evaluated: 2018-07-02. Review status: criteria provided, single submitter. Criteria: Mendelics Assertion Criteria 2017. Collection method: clinical testing. Allele origin: unknown.

Counsyl
Classification: Uncertain significance for Familial cancer of breast. Last evaluated: 2018-01-30. Review status: no assertion criteria provided. Collection method: clinical testing. Allele origin: unknown. Not counted in ClinVar's aggregate classification.

Diagnostic Laboratory, Department of Genetics, University Medical Center Groningen
Classification: Uncertain significance. Review status: no assertion criteria provided. Collection method: clinical testing. Allele origin: germline. Affected: yes. Study: VKGL Data-share Consensus. Not counted in ClinVar's aggregate classification.

Laboratory of Diagnostic Genome Analysis, Leiden University Medical Center (LUMC)
Classification: Uncertain significance. Review status: no assertion criteria provided. Collection method: clinical testing. Allele origin: germline. Affected: yes. Study: VKGL Data-share Consensus. Not counted in ClinVar's aggregate classification.

Literature cited by the submitters: PubMed 25980754 (cited by 5 submitters); PubMed 12533788 (cited by 7 submitters); PubMed 21244692 (cited by 5 submitters); PubMed 26787654 (cited by 3 submitters); PubMed 22114986 (cited by 6 submitters); PubMed 27978560 (cited by 7 submitters); PubMed 28135145 (cited by 3 submitters); PubMed 29522266 (cited by 6 submitters); PubMed 30851065 (cited by 7 submitters); PubMed 31398194 (cited by Women's Health and Genetics/Laboratory Corporation of America, LabCorp); PubMed 33471991 (cited by 6 submitters); PubMed 34903604 (cited by 6 submitters); PubMed 37449874 (cited by 4 submitters); PubMed 27498913 (cited by Ambry Genetics); PubMed 25085752 (cited by Myriad Genetics, Inc.); PubMed 35441217 (cited by Quest Diagnostics Nichols Institute San Juan Capistrano); PubMed 34326862 (cited by Quest Diagnostics Nichols Institute San Juan Capistrano); PubMed 2598075 (cited by Department of Pathology and Laboratory Medicine, Sinai Health System); PubMed 28843361 (cited by Counsyl).